The following is an entry in ClinVar:

NM_177438.3(DICER1):c.5574T>G (p.Leu1858=)

Gene: DICER1 (dicer 1, ribonuclease III; minus strand). Cytogenetic location: 14q32.13.
Variant type: single nucleotide variant.
Coding change: c.5574T>G on transcript NM_177438.3 (MANE Select); coding-DNA position 5574, T replaced by G.
Protein change: p.Leu1858=; no amino-acid change (leucine 1858 retained).
Molecular consequence: synonymous variant. On other transcripts: missense variant (1), non-coding transcript variant (6).
Genome position (GRCh38, 1-based): chr14:95,091,063, A>C on the plus strand (T>G on the coding strand, the complement: DICER1 is on the minus strand). VCF-style: chr14-95091063-A-C. GRCh37 (hg19) VCF-style: chr14-95557400-A-C.
Other names: c.5411T>G, p.Leu1804Trp (NM_001195573.1); c.5574T>G, p.Leu1858= (NM_001271282.3, NM_001291628.2, NM_001395677.1 and 7 more transcripts); c.5292T>G, p.Leu1764= (NM_001395686.1); c.5169T>G, p.Leu1723= (NM_001395687.1, NM_001395688.1, NM_001395689.1 and 1 more transcripts); c.5007T>G, p.Leu1669= (NM_001395691.1); c.3891T>G, p.Leu1297= (NM_001395697.1); short protein forms L1804W.
Identifiers: ClinVar variation 3393354 (VCV003393354.2).
Genomic context (GRCh38, chr14:95,091,063, plus strand): 5'-AATGTTTTTTCCATGTACATTTTTTGCTTACCTAAATTTGGCAGTTTCTGGTTCCATTTC[A>C]AGCAATTCTCGCACAGGGGAACGGGGTACATTTGCAGAAAACTTTTCTGCAATCAAAATG-3'
Protein context (NP_803187.1, residues 1848-1868): NVPRSPVREL[Leu1858=]EMEPETAKFS

ClinVar aggregate classification (germline): Conflicting classifications of pathogenicity. Review status: criteria provided, conflicting classifications (1 of 4 stars). 2 submissions from 2 submitters: Uncertain significance (1); Likely benign (1). Last evaluated 2025-10-28.

Conditions:
Hereditary cancer-predisposing syndrome. Also called: Hereditary Cancer Syndrome; Tumor predisposition; Hereditary neoplastic syndrome; Neoplastic Syndromes, Hereditary. Identifiers: Orphanet 140162, MedGen C0027672, MeSH D009386, MONDO:0015356.

Submissions (2):

Ambry Genetics
Classification: Likely benign for Hereditary cancer-predisposing syndrome. Last evaluated: 2025-10-28. Review status: criteria provided, single submitter. Criteria: Ambry Variant Classification Scheme 2023. Collection method: clinical testing. Allele origin: germline.

Hereditary Cancer Group, L’Institut d'Investigació Biomèdica de Bellvitge
Classification: Uncertain significance for Hereditary cancer-predisposing syndrome. Last evaluated: 2024-12-19. Review status: criteria provided, single submitter. Criteria: Hatton et al. (Hum Mutat. 2023). Collection method: clinical testing. Allele origin: germline. Inheritance: Autosomal dominant inheritance. Affected: yes.
Comment: PM2_supporting, BP4